The following is an entry in ClinVar:

NM_000548.5(TSC2):c.4849+18C>T

Gene: TSC2 (TSC complex subunit 2; plus strand). Cytogenetic location: 16p13.3.
Variant type: single nucleotide variant.
Coding change: c.4849+18C>T on transcript NM_000548.5 (MANE Select); 18 bases into the intron after coding-DNA position 4849, C replaced by T.
Molecular consequence: intron variant.
Genome position (GRCh38, 1-based): chr16:2,086,397, C>T. VCF-style: chr16-2086397-C-T. GRCh37 (hg19) VCF-style: chr16-2136398-C-T.
Other names: c.4849+18C>T (NM_000548.4); c.4780+18C>T (NM_001114382.3); c.4720+18C>T (NM_021055.3, NM_001370405.1); c.4651+18C>T (NM_001363528.2); c.4717+18C>T (NM_001370404.1); c.4648+18C>T (NM_001077183.3); c.4540+18C>T (NM_001318827.2); c.4117+18C>T (NM_001318831.2); and 2 more.
Identifiers: ClinVar variation 49863 (VCV000049863.8), dbSNP rs45517374, ClinGen allele CA021091.
Genomic context (GRCh38, chr16:2,086,397, plus strand): 5'-GACGGCCAGTTCACCTACTGCTGGCACGATGACATCATGCAAGGTACGGCCTGGCGCCTA[C>T]CCGCTCCTGCTGCCCCAGGCCTCAGGGCACGGCTCCCATCCAGTCCTGCTACCCCACGCC-3'

ClinVar aggregate classification (germline): Likely benign. Review status: criteria provided, multiple submitters, no conflicts (2 of 4 stars). 3 submissions from 3 submitters: Likely benign (2). 1 of the submissions does not count toward it. Last evaluated 2026-01-25.

Conditions:
Tuberous sclerosis syndrome (TSC). Also called: Tuberous Sclerosis Complex; Tuberous sclerosis. Identifiers: Orphanet 805, MedGen C0041341, MONDO:0001734.
Tuberous sclerosis 2 (TSC2). Identifiers: Orphanet 805, MedGen C1860707, MONDO:0013199, OMIM 613254.

Allele frequency attached by ClinVar (database versions not stated): gnomAD 0.00001; gnomAD exomes 0.00002; ExAC 0.00003; 1000 Genomes Project 30x 0.00016; 1000 Genomes Project 0.00020.
gnomAD v4.1: 44 of 1,609,554 alleles (0.0027%); highest among the groups gnomAD compares: East Asian, 0.096%; no homozygotes.

Submissions (3):

Labcorp Genetics (formerly Invitae), Labcorp
Classification: Likely benign for Tuberous sclerosis 2. Last evaluated: 2026-01-25. Review status: criteria provided, single submitter. Criteria: Invitae Variant Classification Sherloc (09022015). Collection method: clinical testing. Allele origin: germline.

Women's Health and Genetics/Laboratory Corporation of America, LabCorp
Classification: Likely benign. Last evaluated: 2023-07-26. Review status: criteria provided, single submitter. Criteria: LabCorp Variant Classification Summary - May 2015. Collection method: clinical testing. Allele origin: germline.
Comment: Variant summary: TSC2 c.4849+18C>T alters a non-conserved nucleotide located close to a canonical splice site and therefore could affect mRNA splicing, leading to a significantly altered protein sequence. 4/4 computational tools predict no significant impact on normal splicing. However, these predictions have yet to be confirmed by functional studies. The variant allele was found at a frequency of 2.1e-05 in 239082 control chromosomes. The available data on variant occurrences in the general population are insufficient to allow any conclusion about variant significance. To our knowledge, no occurrence of c.4849+18C>T in individuals affected with Tuberous Sclerosis Complex and no experimental evidence demonstrating its impact on protein function have been reported. One submitter has cited clinical-significance assessments for this variant to ClinVar after 2014 and has classified the variant as likely benign. Based on the evidence outlined above, the variant was classified as likely benign.

Tuberous sclerosis database (TSC2)
No classification provided. Condition: TSC. Review status: no classification provided. Criteria: Tuberous Sclerosis Database Assertion Criteria 2015. Collection method: curation. Allele origin: germline. Affected: yes. Not counted in ClinVar's aggregate classification.